The following is an entry in ClinVar:

ClinVar aggregate classification (germline): Uncertain significance (1 of 4 stars; one submission).

Submission:

Labcorp Genetics (formerly Invitae), Labcorp
Classification: Uncertain significance. Last evaluated: 2023-05-25. Review status: criteria provided, single submitter. Criteria: Invitae Variant Classification Sherloc (09022015). Collection method: clinical testing. Allele origin: unknown.
Comment: In summary, the available evidence is currently insufficient to determine the role of this variant in disease. Therefore, it has been classified as a Variant of Uncertain Significance. This variant has not been reported in the literature in individuals affected with POLE-related conditions. This variant results in a copy number gain of the genomic region encompassing exon(s) 4-49 of the POLE gene. This region includes the termination codon of the gene. This copy number gain extends beyond the assayed region for this gene and therefore may encompass additional genes. As the precise location of this event is unknown, it may be in tandem or it may be located elsewhere in the genome.

NC_000012.11:g.(?_133201283)_(133256818_?)dup

Gene: POLE (DNA polymerase epsilon, catalytic subunit; minus strand). Cytogenetic location: 12q24.33.
Variant type: Duplication.
Identifiers: ClinVar variation 3244415 (VCV003244415.1).